The following is an entry in ClinVar:

NM_001105206.3(LAMA4):c.953T>C (p.Ile318Thr)

Gene: LAMA4 (laminin subunit alpha 4; minus strand). Cytogenetic location: 6q21.
Variant type: single nucleotide variant.
Coding change: c.953T>C on transcript NM_001105206.3 (MANE Select); coding-DNA position 953, T replaced by C.
Protein change: p.Ile318Thr; replaces isoleucine 318 with threonine.
Molecular consequence: missense variant.
Genome position (GRCh38, 1-based): chr6:112,187,463, A>G on the plus strand (T>C on the coding strand, the complement: LAMA4 is on the minus strand). VCF-style: chr6-112187463-A-G. GRCh37 (hg19) VCF-style: chr6-112508665-A-G.
Other names: c.932T>C, p.Ile311Thr (NM_001105207.3, NM_002290.5); short protein forms I311T, I318T.
Identifiers: ClinVar variation 1766593 (VCV001766593.2), dbSNP rs2547140701, ClinGen allele CA365375875.

ClinVar aggregate classification (germline): Uncertain significance (1 of 4 stars; one submission).

Conditions:
Cardiovascular phenotype. Identifiers: MedGen CN230736.

Submission:

Ambry Genetics
Classification: Uncertain significance for Cardiovascular phenotype. Last evaluated: 2019-09-20. Review status: criteria provided, single submitter. Criteria: Ambry Variant Classification Scheme 2023. Collection method: clinical testing. Allele origin: germline.
Comment: The p.I311T variant (also known as c.932T>C), located in coding exon 7 of the LAMA4 gene, results from a T to C substitution at nucleotide position 932. The isoleucine at codon 311 is replaced by threonine, an amino acid with similar properties. This amino acid position is not well conserved in available vertebrate species, and threonine is the reference amino acid in other vertebrate species. In addition, this alteration is predicted to be tolerated by in silico analysis. Since supporting evidence is limited at this time, the clinical significance of this alteration remains unclear.